The following is an entry in ClinVar:

NM_020937.4(FANCM):c.4223A>G (p.Asp1408Gly)

Gene: FANCM (FA complementation group M; plus strand). Cytogenetic location: 14q21.2.
Variant type: single nucleotide variant.
Coding change: c.4223A>G on transcript NM_020937.4 (MANE Select); coding-DNA position 4223, A replaced by G.
Protein change: p.Asp1408Gly; replaces aspartic acid 1408 with glycine.
Molecular consequence: missense variant.
Genome position (GRCh38, 1-based): chr14:45,181,430, A>G. VCF-style: chr14-45181430-A-G. GRCh37 (hg19) VCF-style: chr14-45650633-A-G.
Other names: c.4145A>G, p.Asp1382Gly (NM_001308133.2); short protein forms D1382G, D1408G.
Identifiers: ClinVar variation 2919736 (VCV002919736.4), dbSNP rs760936975, ClinGen allele CA389606644.

ClinVar aggregate classification (germline): Uncertain significance. Review status: criteria provided, multiple submitters, no conflicts (2 of 4 stars). 2 submissions from 2 submitters: Uncertain significance (2). Last evaluated 2024-12-14.

Conditions:
Fanconi anemia (FA). Also called: Fanconi's anemia. Identifiers: Orphanet 84, MedGen C0015625, MeSH D005199, MONDO:0019391.
Inborn genetic diseases. Identifiers: MedGen C0950123, MeSH D030342.

Submissions (2):

Ambry Genetics
Classification: Uncertain significance for Inborn genetic diseases. Last evaluated: 2024-12-14. Review status: criteria provided, single submitter. Criteria: Ambry Variant Classification Scheme 2023. Collection method: clinical testing. Allele origin: germline.
Comment: The p.D1408G variant (also known as c.4223A>G) is located in coding exon 15 of the FANCM gene. The aspartic acid at codon 1408 is replaced by glycine, an amino acid with similar properties. This change occurs in the first base pair of coding exon 15. This amino acid position is conserved. In addition, this alteration is predicted to be tolerated by in silico analysis. Based on the available evidence, the clinical significance of this variant remains unclear.

Labcorp Genetics (formerly Invitae), Labcorp
Classification: Uncertain significance for Fanconi anemia. Last evaluated: 2023-11-20. Review status: criteria provided, single submitter. Criteria: Invitae Variant Classification Sherloc (09022015). Collection method: clinical testing. Allele origin: germline.
Comment: This sequence change replaces aspartic acid, which is acidic and polar, with glycine, which is neutral and non-polar, at codon 1408 of the FANCM protein (p.Asp1408Gly). This variant is not present in population databases (gnomAD no frequency). This variant has not been reported in the literature in individuals affected with FANCM-related conditions. Algorithms developed to predict the effect of missense changes on protein structure and function output the following: SIFT: "Not Available"; PolyPhen-2: "Benign"; Align-GVGD: "Not Available". The glycine amino acid residue is found in multiple mammalian species, which suggests that this missense change does not adversely affect protein function. In summary, the available evidence is currently insufficient to determine the role of this variant in disease. Therefore, it has been classified as a Variant of Uncertain Significance.